The following is an entry in ClinVar:

ClinVar aggregate classification (germline): Uncertain significance. Review status: criteria provided, multiple submitters, no conflicts (2 of 4 stars). 9 submissions from 9 submitters: Uncertain significance (6). 3 of the submissions do not count toward it. Last evaluated 2026-06-01.

Conditions:
Cataract 41 (CTRCT41). Also called: CATARACT 41, CONGENITAL NUCLEAR TYPE. Identifiers: Orphanet 91492, Orphanet 98991, Orphanet 98992, Orphanet 98995, MedGen C3805412, MONDO:0007287, OMIM 116400.
Wolfram-like syndrome. Also called: HEARING LOSS, PROGRESSIVE, WITH OPTIC ATROPHY AND/OR IMPAIRED GLUCOSE REGULATION. Identifiers: Orphanet 411590, MedGen C3280358, MONDO:0013673, OMIM 614296.
Type 2 diabetes mellitus. Also called: Type II diabetes mellitus. Identifiers: MedGen C0011860, MeSH D003924, MONDO:0005148, OMIM 125853, HP:0005978.
Autosomal dominant nonsyndromic hearing loss 6 (LFSNHL). Also called: DEAFNESS, AUTOSOMAL DOMINANT 6; Autosomal dominant nonsyndromic deafness 6; DEAFNESS, AUTOSOMAL DOMINANT 14; DEAFNESS, AUTOSOMAL DOMINANT 38. Identifiers: Orphanet 90635, MedGen C1833021, MONDO:0010963, OMIM 600965.
Wolfram syndrome 1 (WFS1). Identifiers: Orphanet 3463, MedGen C4551693, MONDO:0009101, OMIM 222300.
WFS1-related disorder. Identifiers: MedGen CN379391, MONDO:0700293.

Allele frequency attached by ClinVar (database versions not stated): TOPMed 0.00013; gnomAD 0.00015 and 0.00016; gnomAD exomes 0.00017; ESP Exome Variant Server 0.00038.
gnomAD v4.1: 262 of 1,605,350 alleles (0.016%); highest among the groups gnomAD compares: Non-Finnish European, 0.02%; no homozygotes.

Submissions (9):

PreventionGenetics, part of Exact Sciences
Classification: Uncertain significance for WFS1-related condition. Last evaluated: 2026-06-01. Review status: criteria provided, single submitter. Criteria: ACMG Guidelines, 2015. Collection method: clinical testing. Allele origin: germline.
Comment: The WFS1 c.2494C>T variant is predicted to result in the amino acid substitution p.Arg832Cys. This variant was reported in an individual with type 1 diabetes (Yu et al 2019. PubMed ID: 31264968). This variant is reported in 0.029% of alleles in individuals of European (Non-Finnish) descent in gnomAD. At this time, the clinical significance of this variant is uncertain due to the absence of conclusive functional and genetic evidence.

Labcorp Genetics (formerly Invitae), Labcorp
Classification: Uncertain significance. Last evaluated: 2026-01-08. Review status: criteria provided, single submitter. Criteria: Invitae Variant Classification Sherloc (09022015). Collection method: clinical testing. Allele origin: germline.
Comment: This sequence change replaces arginine, which is basic and polar, with cysteine, which is neutral and slightly polar, at codon 832 of the WFS1 protein (p.Arg832Cys). This variant is present in population databases (rs148089728, gnomAD 0.03%). This variant has not been reported in the literature in individuals affected with WFS1-related conditions. ClinVar contains an entry for this variant (Variation ID: 592097). Invitae Evidence Modeling of protein sequence and biophysical properties (such as structural, functional, and spatial information, amino acid conservation, physicochemical variation, residue mobility, and thermodynamic stability) indicates that this missense variant is expected to disrupt WFS1 protein function with a positive predictive value of 95%. In summary, the available evidence is currently insufficient to determine the role of this variant in disease. Therefore, it has been classified as a Variant of Uncertain Significance.

ARUP Laboratories, Molecular Genetics and Genomics, ARUP Laboratories
Classification: Uncertain significance. Last evaluated: 2025-06-02. Review status: criteria provided, single submitter. Criteria: ARUP Molecular Germline Variant Investigation Process 2024. Collection method: clinical testing. Allele origin: germline.
Comment: The WFS1 c.2494C>T; p.Arg832Cys variant (rs148089728, ClinVar Variation ID: 592097) is reported in the literature in one individual affected with type 1 diabetes (Yu 2019). In the same study, another amino acid substitution at the same position, p.Arg832Gly, was also reported in one individual with type 1 diabetes. The p.Arg832Cys variant is found in the non-Finnish European population with an allele frequency of 0.029% (37/127426 alleles) in the Genome Aggregation Database (v2.1.1). Computational analyses predict that this variant is deleterious (REVEL: 0.716). Due to limited information, the clinical significance of the p.Arg832Cys variant is uncertain at this time. References: Yu MG et al. Residual B cell function and monogenic variants in long-duration type 1 diabetes patients. J Clin Invest. 2019 Jul 2;129(8):3252-3263. PMID: 31264968.

GeneDx
Classification: Uncertain significance. Last evaluated: 2024-12-02. Review status: criteria provided, single submitter. Criteria: GeneDx Variant Classification Process June 2021. Collection method: clinical testing. Allele origin: germline. Affected: yes.
Comment: In silico analysis supports that this missense variant has a deleterious effect on protein structure/function; This variant is associated with the following publications: (PMID: 26435059, 31264968)

Blueprint Genetics
Classification: Uncertain significance. Last evaluated: 2024-10-03. Review status: criteria provided, single submitter. Criteria: ACMG Guidelines, 2015. Collection method: clinical testing. Allele origin: germline.

Fulgent Genetics
Classification: Uncertain significance for Cataract 41; Type 2 diabetes mellitus; Wolfram syndrome 1; Autosomal dominant nonsyndromic hearing loss 6; Wolfram-like syndrome. Last evaluated: 2024-05-14. Review status: criteria provided, single submitter. Criteria: ACMG Guidelines, 2015. Collection method: clinical testing. Allele origin: germline.

Biochemical Molecular Genetic Laboratory, King Abdulaziz Medical City
Classification: Uncertain significance for Cataract 41. Last evaluated: 2018-05-11. Review status: no assertion criteria provided. Collection method: clinical testing. Allele origin: germline. Affected: yes. Not counted in ClinVar's aggregate classification.

Clinical Genetics, Academic Medical Center
Classification: Uncertain significance. Review status: no assertion criteria provided. Collection method: clinical testing. Allele origin: germline. Affected: yes. Study: VKGL Data-share Consensus. Not counted in ClinVar's aggregate classification.

Diagnostic Laboratory, Department of Genetics, University Medical Center Groningen
Classification: Uncertain significance. Review status: no assertion criteria provided. Collection method: clinical testing. Allele origin: germline. Affected: yes. Study: VKGL Data-share Consensus. Not counted in ClinVar's aggregate classification.

NM_006005.3(WFS1):c.2494C>T (p.Arg832Cys)

Gene: WFS1 (wolframin ER transmembrane glycoprotein; plus strand). Cytogenetic location: 4p16.1.
Variant type: single nucleotide variant.
Coding change: c.2494C>T on transcript NM_006005.3 (MANE Select); coding-DNA position 2494, C replaced by T.
Protein change: p.Arg832Cys; replaces arginine 832 with cysteine.
Molecular consequence: missense variant.
Genome position (GRCh38, 1-based): chr4:6,302,289, C>T. VCF-style: chr4-6302289-C-T. GRCh37 (hg19) VCF-style: chr4-6304016-C-T.
Other names: c.2494C>T, p.Arg832Cys (NM_001145853.1); short protein forms R832C.
Identifiers: ClinVar variation 592097 (VCV000592097.20), dbSNP rs148089728, ClinGen allele CA2839754.